The following is an entry in ClinVar:

ClinVar aggregate classification (germline): Pathogenic (1 of 4 stars; one submission).

Conditions:
Methylmalonic acidemia with homocystinuria, type cblJ (MAHCJ). Also called: METHYLMALONIC ACIDURIA AND HOMOCYSTINURIA, cblJ TYPE. Identifiers: Orphanet 369955, MedGen C3553915, MONDO:0013925, OMIM 614857.

Allele frequency attached by ClinVar (database versions not stated): ExAC 0.00001; gnomAD 0.00001; TOPMed 0.00002.
gnomAD v4.1: 16 of 1,612,950 alleles (0.00099%); highest among the groups gnomAD compares: Admixed American, 0.0033%; no homozygotes.

Submission:

Labcorp Genetics (formerly Invitae), Labcorp
Classification: Pathogenic for Methylmalonic acidemia with homocystinuria, type cblJ. Last evaluated: 2023-08-08. Review status: criteria provided, single submitter. Criteria: Invitae Variant Classification Sherloc (09022015). Collection method: clinical testing. Allele origin: germline.
Comment: This sequence change creates a premature translational stop signal (p.Arg536*) in the ABCD4 gene. It is expected to result in an absent or disrupted protein product. Loss-of-function variants in ABCD4 are known to be pathogenic (PMID: 22922874). This variant is present in population databases (rs769298254, gnomAD 0.003%). This variant has not been reported in the literature in individuals affected with ABCD4-related conditions. For these reasons, this variant has been classified as Pathogenic.

Literature cited by the submitters: PubMed 22922874.

NM_005050.4(ABCD4):c.1606C>T (p.Arg536Ter)

Gene: ABCD4 (ATP binding cassette subfamily D member 4; minus strand). Cytogenetic location: 14q24.3.
Variant type: single nucleotide variant.
Coding change: c.1606C>T on transcript NM_005050.4 (MANE Select); coding-DNA position 1606, C replaced by T.
Protein change: p.Arg536Ter; replaces arginine 536 with a stop codon.
Molecular consequence: nonsense. On other transcripts: synonymous variant (1), non-coding transcript variant (10).
Genome position (GRCh38, 1-based): chr14:74,287,840, G>A on the plus strand (C>T on the coding strand, the complement: ABCD4 is on the minus strand). VCF-style: chr14-74287840-G-A. GRCh37 (hg19) VCF-style: chr14-74754543-G-A.
Other names: c.1480C>T, p.Arg494Ter (NM_001353591.2, NM_001353592.2); c.1345C>T, p.Arg449Ter (NM_001353593.2); c.1294C>T, p.Arg432Ter (NM_001353594.2); c.1192C>T, p.Arg398Ter (NM_001353595.2, NM_001353596.2); c.1141C>T, p.Arg381Ter (NM_001353597.2); c.1129C>T, p.Arg377Ter (NM_001353598.2, NM_001353599.2, NM_001353600.2 and 2 more transcripts); c.817C>T, p.Arg273Ter (NM_001353602.2, NM_001353603.2, NM_001353604.2 and 5 more transcripts); c.873C>T, p.Pro291= (NM_001353610.2); and 2 more; short protein forms R377*, R381*, R432*, R536*, R273*, R493*, R398*, R449*.
Identifiers: ClinVar variation 2728334 (VCV002728334.3), dbSNP rs769298254, ClinGen allele CA7266676.